The following is an entry in ClinVar:

NM_001395413.1(POR):c.1228G>A (p.Gly410Ser)

Gene: POR (cytochrome p450 oxidoreductase; plus strand). Cytogenetic location: 7q11.23.
Variant type: single nucleotide variant.
Coding change: c.1228G>A on transcript NM_001395413.1 (MANE Select); coding-DNA position 1228, G replaced by A.
Protein change: p.Gly410Ser; replaces glycine 410 with serine.
Molecular consequence: missense variant.
Genome position (GRCh38, 1-based): chr7:75,984,947, G>A. VCF-style: chr7-75984947-G-A. GRCh37 (hg19) VCF-style: chr7-75614265-G-A.
Other names: NM_000941.3:c.1237G>A; NM_001395413.1:c.1228G>A; p.Gly413Ser; c.1228G>A, p.Gly410Ser (NM_001367562.3, NM_001382657.2, NM_001382658.3 and 2 more transcripts); c.1282G>A, p.Gly428Ser (NM_001382655.3); c.1237G>A (NM_000941.2); short protein forms G410S, G428S.
Identifiers: ClinVar variation 1204490 (VCV001204490.13), dbSNP rs567904247, ClinGen allele CA4304036.

ClinVar aggregate classification (germline): Conflicting classifications of pathogenicity. Review status: criteria provided, conflicting classifications (1 of 4 stars). 5 submissions from 5 submitters: Uncertain significance (2); Likely benign (3). Last evaluated 2026-07-28.

Conditions:
Congenital adrenal hyperplasia due to cytochrome P450 oxidoreductase deficiency. Also called: DISORDERED STEROIDOGENESIS DUE TO POR DEFICIENCY. Identifiers: Orphanet 95699, MedGen C1860042, MONDO:0013310, OMIM 613571.

Allele frequency attached by ClinVar (database versions not stated): 1000 Genomes Project 30x 0.00016; 1000 Genomes Project 0.00020; gnomAD 0.00028 and 0.00029; gnomAD exomes 0.00030; ExAC 0.00034; TOPMed 0.00048.
gnomAD v4.1: 337 of 1,595,270 alleles (0.021%); highest among the groups gnomAD compares: Middle Eastern, 0.43%; 1 homozygote.

Submissions (5):

Division of Laboratory Medicine and Clinical Genetics, Chiba University Hospital
Classification: Uncertain significance for Congenital adrenal hyperplasia due to cytochrome P450 oxidoreductase deficiency. Last evaluated: 2026-07-28. Review status: criteria provided, single submitter. Criteria: ACMG Guidelines, 2015. Collection method: research. Allele origin: germline. Inheritance: Autosomal recessive inheritance. Affected: yes and no. Observed: 2 variant alleles, 2 heterozygotes.
Comment: Uncertain significance. p.Gly413Ser has been reported in the Japanese population (PMID:21084761) and is relatively frequent in ToMMo 61KJPN (allele frequency 0.003520). In this family it was inferred to be in cis with p.Arg550Trp on the paternal allele and in trans with p.Arg457His; paternal DNA was unavailable. The pathogenicity of the paternal allele is considered to be driven primarily by p.Arg550Trp. Variant designations follow the legacy transcript NM_000941.3 (replaced by NM_001395413.1), as reported by the testing laboratory and used in the PORD literature; the variant is defined here by GRCh38 coordinates.

Labcorp Genetics (formerly Invitae), Labcorp
Classification: Likely benign for Congenital adrenal hyperplasia due to cytochrome P450 oxidoreductase deficiency. Last evaluated: 2026-01-24. Review status: criteria provided, single submitter. Criteria: Invitae Variant Classification Sherloc (09022015). Collection method: clinical testing. Allele origin: germline.

Blueprint Genetics
Classification: Likely benign. Last evaluated: 2024-10-08. Review status: criteria provided, single submitter. Criteria: ACMG Guidelines, 2015. Collection method: clinical testing. Allele origin: germline.

Mendelics
Classification: Uncertain significance. Last evaluated: 2022-05-04. Review status: criteria provided, single submitter. Criteria: Mendelics Assertion Criteria 2019. Collection method: clinical testing. Allele origin: germline.

GeneDx
Classification: Likely benign. Last evaluated: 2021-06-07. Review status: criteria provided, single submitter. Criteria: GeneDx Variant Classification Process June 2021. Collection method: clinical testing. Allele origin: germline. Affected: yes.
Comment: In silico analysis supports that this missense variant does not alter protein structure/function; Described as a polymorphism and demonstrated similar activity to wild-type constructs in cytochrome c or CYP17A1 activity assays (Pandey et al., 2010; Fluck et al., 2007; Huang et al., 2005); This variant is associated with the following publications: (PMID: 20732302, 19374516, 27032764, 16467261, 22719896, 18551037, 17635179, 22252407, 15793702, 21084761)

Literature cited by the submitters: PubMed 21084761 (cited by Division of Laboratory Medicine and Clinical Genetics, Chiba University Hospital); PubMed 42729616 (cited by Division of Laboratory Medicine and Clinical Genetics, Chiba University Hospital).